The following is an entry in ClinVar:

ClinVar aggregate classification (germline): Uncertain significance. Review status: criteria provided, multiple submitters, no conflicts (2 of 4 stars). 2 submissions from 2 submitters: Uncertain significance (2). Last evaluated 2025-12-01.

Conditions:
Inborn genetic diseases. Identifiers: MedGen C0950123, MeSH D030342.

Allele frequency attached by ClinVar (database versions not stated): ExAC 0.00004; gnomAD exomes 0.00007 and 0.00010; TOPMed 0.00013; gnomAD 0.00014 and 0.00015.
gnomAD v4.1: 164 of 1,606,378 alleles (0.01%); highest among the groups gnomAD compares: African/African-American, 0.027%; no homozygotes.

Submissions (2):

Labcorp Genetics (formerly Invitae), Labcorp
Classification: Uncertain significance. Last evaluated: 2025-12-01. Review status: criteria provided, single submitter. Criteria: Invitae Variant Classification Sherloc (09022015). Collection method: clinical testing. Allele origin: germline.
Comment: This sequence change replaces leucine, which is neutral and non-polar, with phenylalanine, which is neutral and non-polar, at codon 231 of the TNNT3 protein (p.Leu231Phe). This variant is present in population databases (rs770593490, gnomAD 0.03%). This variant has not been reported in the literature in individuals affected with TNNT3-related conditions. ClinVar contains an entry for this variant (Variation ID: 1355116). An algorithm developed to predict the effect of missense changes on protein structure and function (PolyPhen-2) suggests that this variant is likely to be disruptive. In summary, the available evidence is currently insufficient to determine the role of this variant in disease. Therefore, it has been classified as a Variant of Uncertain Significance.

Ambry Genetics
Classification: Uncertain significance for Inborn genetic diseases. Last evaluated: 2025-10-14. Review status: criteria provided, single submitter. Criteria: Ambry Variant Classification Scheme 2023. Collection method: clinical testing. Allele origin: germline.

NM_006757.4(TNNT3):c.691C>T (p.Leu231Phe)

Gene: TNNT3 (troponin T3, fast skeletal type; plus strand). Cytogenetic location: 11p15.5.
Variant type: single nucleotide variant.
Coding change: c.691C>T on transcript NM_006757.4 (MANE Select); coding-DNA position 691, C replaced by T.
Protein change: p.Leu231Phe; replaces leucine 231 with phenylalanine.
Molecular consequence: missense variant. On other transcripts: intron variant (2).
Genome position (GRCh38, 1-based): chr11:1,936,972, C>T. VCF-style: chr11-1936972-C-T. GRCh37 (hg19) VCF-style: chr11-1958202-C-T.
Other names: c.685C>T, p.Leu229Phe (NM_001042781.3, NM_001367842.1); c.667C>T, p.Leu223Phe (NM_001042782.3, NM_001297646.2, NM_001367844.1 and 1 more transcripts); c.700C>T, p.Leu234Phe (NM_001363561.2, NM_001367847.1); c.724C>T, p.Leu242Phe (NM_001367846.1); c.688C>T, p.Leu230Phe (NM_001367848.1); c.679C>T, p.Leu227Phe (NM_001367849.1); c.634C>T, p.Leu212Phe (NM_001367850.1); c.487C>T, p.Leu163Phe (NM_001367851.1, NM_001367852.1); and 3 more; short protein forms L231F, L242F, L163F, L227F, L229F, L212F, L223F, L230F.
Identifiers: ClinVar variation 1355116 (VCV001355116.10), dbSNP rs770593490, ClinGen allele CA5816635.
Genomic context (GRCh38, chr11:1,936,972, plus strand): 5'-CGCAGGCCTGGCCCTCGGGTCGTCGCAGTGAGTCACTCATGTTGTTCACAGATCACCACG[C>T]TCAGGAGCCGCATTGACCAGGCCCAGAAGCAGTGAGTAGCCCTGCCGTCCTCGCTCCGCA-3'
Protein context (NP_006748.1, residues 221-241): LKRQKYDITT[Leu231Phe]RSRIDQAQKH